The following is an entry in ClinVar:

NM_015213.4(DENND5A):c.3326A>T (p.Gln1109Leu)

Gene: DENND5A (DENN domain containing 5A; minus strand). Cytogenetic location: 11p15.4.
Variant type: single nucleotide variant.
Coding change: c.3326A>T on transcript NM_015213.4 (MANE Select); coding-DNA position 3326, A replaced by T.
Protein change: p.Gln1109Leu; replaces glutamine 1109 with leucine.
Molecular consequence: missense variant.
Genome position (GRCh38, 1-based): chr11:9,143,464, T>A on the plus strand (A>T on the coding strand, the complement: DENND5A is on the minus strand). VCF-style: chr11-9143464-T-A. GRCh37 (hg19) VCF-style: chr11-9165011-T-A.
Other names: c.3326A>T (NM_015213.3); c.3326A>T, p.Gln1109Leu (NM_001243254.2, NM_001348748.1); c.3254A>T, p.Gln1085Leu (NM_001348749.2); c.3038A>T, p.Gln1013Leu (NM_001348750.2); short protein forms Q1109L, Q1013L, Q1085L.
Identifiers: ClinVar variation 2123527 (VCV002123527.5), dbSNP rs1344639378, ClinGen allele CA379600432.

ClinVar aggregate classification (germline): Uncertain significance. Review status: criteria provided, multiple submitters, no conflicts (2 of 4 stars). 2 submissions from 2 submitters: Uncertain significance (2). Last evaluated 2024-08-20.

Conditions:
Inborn genetic diseases. Identifiers: MedGen C0950123, MeSH D030342.

Allele frequency attached by ClinVar (database versions not stated): gnomAD exomes below 0.00001; TOPMed below 0.00001; gnomAD 0.00001.
gnomAD v4.1: 2 of 1,614,070 alleles (0.00012%); highest among the groups gnomAD compares: African/African-American, 0.0027%; no homozygotes.

Submissions (2):

Ambry Genetics
Classification: Uncertain significance for Inborn genetic diseases. Last evaluated: 2024-08-20. Review status: criteria provided, single submitter. Criteria: Ambry Variant Classification Scheme 2023. Collection method: clinical testing. Allele origin: germline.

Labcorp Genetics (formerly Invitae), Labcorp
Classification: Uncertain significance. Last evaluated: 2023-10-13. Review status: criteria provided, single submitter. Criteria: Invitae Variant Classification Sherloc (09022015). Collection method: clinical testing. Allele origin: germline.
Comment: This sequence change replaces glutamine, which is neutral and polar, with leucine, which is neutral and non-polar, at codon 1109 of the DENND5A protein (p.Gln1109Leu). This variant is present in population databases (no rsID available, gnomAD 0.007%). This variant has not been reported in the literature in individuals affected with DENND5A-related conditions. ClinVar contains an entry for this variant (Variation ID: 2123527). Advanced modeling of protein sequence and biophysical properties (such as structural, functional, and spatial information, amino acid conservation, physicochemical variation, residue mobility, and thermodynamic stability) performed at Invitae indicates that this missense variant is expected to disrupt DENND5A protein function. In summary, the available evidence is currently insufficient to determine the role of this variant in disease. Therefore, it has been classified as a Variant of Uncertain Significance.